The following is an entry in ClinVar:

ClinVar aggregate classification (germline): Uncertain significance (1 of 4 stars; one submission).

Conditions:
Epilepsy, familial focal, with variable foci 3 (FFEVF3). Identifiers: MedGen C4310708, MONDO:0014925, OMIM 617118.

gnomAD v4.1: 1 of 1,560,160 alleles (0.000064%); highest among the groups gnomAD compares: East Asian, 0.0024%; no homozygotes.

Submission:

Labcorp Genetics (formerly Invitae), Labcorp
Classification: Uncertain significance for Epilepsy, familial focal, with variable foci 3. Last evaluated: 2024-09-23. Review status: criteria provided, single submitter. Criteria: Invitae Variant Classification Sherloc (09022015). Collection method: clinical testing. Allele origin: germline.
Comment: This sequence change replaces arginine, which is basic and polar, with serine, which is neutral and polar, at codon 400 of the NPRL3 protein (p.Arg400Ser). This variant is not present in population databases (gnomAD no frequency). This variant has not been reported in the literature in individuals affected with NPRL3-related conditions. ClinVar contains an entry for this variant (Variation ID: 1357426). Invitae Evidence Modeling of protein sequence and biophysical properties (such as structural, functional, and spatial information, amino acid conservation, physicochemical variation, residue mobility, and thermodynamic stability) indicates that this missense variant is not expected to disrupt NPRL3 protein function with a negative predictive value of 80%. In summary, the available evidence is currently insufficient to determine the role of this variant in disease. Therefore, it has been classified as a Variant of Uncertain Significance.

NM_001077350.3(NPRL3):c.1198C>A (p.Arg400Ser)

Genes: HBA-LCR (alpha-globin locus control region; plus strand), NPRL3 (NPR3 like, GATOR1 complex subunit; minus strand). Cytogenetic location: 16p13.3.
Variant type: single nucleotide variant.
Coding change: c.1198C>A on transcript NM_001077350.3 (MANE Select); coding-DNA position 1198, C replaced by A.
Protein change: p.Arg400Ser; replaces arginine 400 with serine.
Molecular consequence: missense variant.
Genome position (GRCh38, 1-based): chr16:89,866, G>T on the plus strand (C>A on the coding strand, the complement: NPRL3 is on the minus strand). VCF-style: chr16-89866-G-T. GRCh37 (hg19) VCF-style: chr16-139864-G-T.
Other names: c.661C>A, p.Arg221Ser (NM_001039476.3); c.964C>A, p.Arg322Ser (NM_001243247.2); c.1123C>A, p.Arg375Ser (NM_001243248.2, NM_001243249.2); short protein forms R221S, R322S, R375S, R400S.
Identifiers: ClinVar variation 1357426 (VCV001357426.6), dbSNP rs556683821, ClinGen allele CA394051396.